The following is an entry in ClinVar:

NM_000158.4(GBE1):c.1507A>G (p.Met503Val)

Gene: GBE1 (1,4-alpha-glucan branching enzyme 1; minus strand). Cytogenetic location: 3p12.2.
Variant type: single nucleotide variant.
Coding change: c.1507A>G on transcript NM_000158.4 (MANE Select); coding-DNA position 1507, A replaced by G.
Protein change: p.Met503Val; replaces methionine 503 with valine.
Molecular consequence: missense variant.
Genome position (GRCh38, 1-based): chr3:81,578,036, T>C on the plus strand (A>G on the coding strand, the complement: GBE1 is on the minus strand). VCF-style: chr3-81578036-T-C. GRCh37 (hg19) VCF-style: chr3-81627187-T-C.
Other names: short protein forms M503V.
Identifiers: ClinVar variation 5001112 (VCV005001112.1).

ClinVar aggregate classification (germline): Uncertain significance (1 of 4 stars; one submission).

Conditions:
GBE1-related disorder. Also called: GBE1-related condition; GBE1-related disorders. Identifiers: MedGen CN239402.

gnomAD v4.1: 1 of 1,610,838 alleles (0.000062%); highest among the groups gnomAD compares: Non-Finnish European, 0.000085%; no homozygotes.

Submission:

PreventionGenetics, part of Exact Sciences
Classification: Uncertain significance for GBE1-related condition. Last evaluated: 2026-08-14. Review status: criteria provided, single submitter. Criteria: ACMG Guidelines, 2015. Collection method: clinical testing. Allele origin: germline.
Comment: The GBE1 c.1507A>G variant is predicted to result in the amino acid substitution p.Met503Val. To our knowledge, this variant has not been reported in the literature or in a large population database (gnomAD), indicating this variant is rare. At this time, the clinical significance of this variant is uncertain due to the absence of conclusive functional and genetic evidence.